The following is an entry in ClinVar:

ClinVar aggregate classification (germline): Conflicting classifications of pathogenicity. Review status: criteria provided, conflicting classifications (1 of 4 stars). 3 submissions from 3 submitters: Uncertain significance (2); Benign (1). Last evaluated 2025-02-03.

Conditions:
CHD7-related disorder. Also called: CHD7-related condition.
CHARGE syndrome (CHARGE). Also called: Hittner Hirsch Kreh syndrome; CHARGE ASSOCIATION--COLOBOMA, HEART ANOMALY, CHOANAL ATRESIA, RETARDATION, GENITAL AND EAR ANOMALIES; Coloboma, heart anomaly, choanal atresia, retardation, genital and ear anomalies; CHARGE association; Hall-Hittner syndrome. Identifiers: Orphanet 138, MedGen C0265354, MONDO:0008965.

Allele frequency attached by ClinVar (database versions not stated): gnomAD exomes below 0.00001; TOPMed below 0.00001; ExAC 0.00001.
gnomAD v4.1: 5 of 1,612,122 alleles (0.00031%); highest among the groups gnomAD compares: East Asian, 0.0022%; no homozygotes.

Submissions (3):

Labcorp Genetics (formerly Invitae), Labcorp
Classification: Benign for CHARGE syndrome. Last evaluated: 2025-02-03. Review status: criteria provided, single submitter. Criteria: Invitae Variant Classification Sherloc (09022015). Collection method: clinical testing. Allele origin: germline.

GeneDx
Classification: Uncertain significance. Last evaluated: 2024-02-28. Review status: criteria provided, single submitter. Criteria: GeneDx Variant Classification Process June 2021. Collection method: clinical testing. Allele origin: germline. Affected: yes.
Comment: Not observed at significant frequency in large population cohorts (gnomAD); In silico analysis supports that this missense variant does not alter protein structure/function; Has not been previously published as pathogenic or benign to our knowledge

PreventionGenetics, part of Exact Sciences
Classification: Uncertain significance for CHD7-related condition. Last evaluated: 2022-12-12. Review status: criteria provided, single submitter. Criteria: ACMG Guidelines, 2015. Collection method: clinical testing. Allele origin: germline.
Comment: The CHD7 c.1204A>G variant is predicted to result in the amino acid substitution p.Met402Val. To our knowledge, this variant has not been reported in the literature. This variant is reported in 0.0056% of alleles in individuals of East Asian descent in gnomAD. At this time, the clinical significance of this variant is uncertain due to the absence of conclusive functional and genetic evidence.

NM_017780.4(CHD7):c.1204A>G (p.Met402Val)

Gene: CHD7 (chromodomain helicase DNA binding protein 7; plus strand). Cytogenetic location: 8q12.2.
Variant type: single nucleotide variant.
Coding change: c.1204A>G on transcript NM_017780.4 (MANE Select); coding-DNA position 1204, A replaced by G.
Protein change: p.Met402Val; replaces methionine 402 with valine.
Molecular consequence: missense variant.
Genome position (GRCh38, 1-based): chr8:60,742,636, A>G. VCF-style: chr8-60742636-A-G. GRCh37 (hg19) VCF-style: chr8-61655195-A-G.
Other names: c.1204A>G, p.Met402Val (NM_001316690.1); short protein forms M402V.
Identifiers: ClinVar variation 2632120 (VCV002632120.5), dbSNP rs772570235, ClinGen allele CA4759450.